The following is an entry in ClinVar:

ClinVar aggregate classification (germline): Uncertain significance (1 of 4 stars; one submission).

Conditions:
Ataxia-telangiectasia-like disorder (ATLD). Identifiers: MedGen C1858391, MONDO:0011457.

Allele frequency attached by ClinVar (database versions not stated): gnomAD exomes below 0.00001; ExAC 0.00001.
gnomAD v4.1: 1 of 1,613,668 alleles (0.000062%); highest among the groups gnomAD compares: Admixed American, 0.0017%; no homozygotes.

Submission:

Labcorp Genetics (formerly Invitae), Labcorp
Classification: Uncertain significance for Ataxia-telangiectasia-like disorder. Last evaluated: 2022-05-03. Review status: criteria provided, single submitter. Criteria: Invitae Variant Classification Sherloc (09022015). Collection method: clinical testing. Allele origin: germline.
Comment: This variant has not been reported in the literature in individuals affected with MRE11-related conditions. In summary, the available evidence is currently insufficient to determine the role of this variant in disease. Therefore, it has been classified as a Variant of Uncertain Significance. Algorithms developed to predict the effect of sequence changes on RNA splicing suggest that this variant may disrupt the consensus splice site. This variant is present in population databases (rs769824878, gnomAD 0.003%). This sequence change falls in intron 3 of the MRE11 gene. It does not directly change the encoded amino acid sequence of the MRE11 protein.

NM_005591.4(MRE11):c.154-4T>A

Gene: MRE11 (MRE11 double strand break repair nuclease; minus strand). Cytogenetic location: 11q21.
Variant type: single nucleotide variant.
Coding change: c.154-4T>A on transcript NM_005591.4 (MANE Select); 4 bases into the intron before coding-DNA position 154, T replaced by A.
Molecular consequence: intron variant.
Genome position (GRCh38, 1-based): chr11:94,486,088, A>T on the plus strand (T>A on the coding strand, the complement: MRE11 is on the minus strand). VCF-style: chr11-94486088-A-T. GRCh37 (hg19) VCF-style: chr11-94219254-A-T.
Other names: c.154-4T>A (NM_001330347.2, NM_005590.4).
Identifiers: ClinVar variation 1964397 (VCV001964397.5), dbSNP rs769824878, ClinGen allele CA6235446.